The following is an entry in ClinVar:

NM_002641.4(PIGA):c.715+168C>A

Gene: PIGA (phosphatidylinositol glycan anchor biosynthesis class A; minus strand). Cytogenetic location: Xp22.2.
Variant type: single nucleotide variant.
Coding change: c.715+168C>A on transcript NM_002641.4 (MANE Select); 168 bases into the intron after coding-DNA position 715, C replaced by A.
Molecular consequence: intron variant.
Genome position (GRCh38, 1-based): chrX:15,331,048, G>T on the plus strand (C>A on the coding strand, the complement: PIGA is on the minus strand). VCF-style: chrX-15331048-G-T. GRCh37 (hg19) VCF-style: chrX-15349170-G-T.
Other names: c.13+4453C>A (NM_020473.3).
Identifiers: ClinVar variation 667856 (VCV000667856.1), dbSNP rs6632329, ClinGen allele CA326944934.

ClinVar aggregate classification (germline): Benign (1 of 4 stars; one submission).

Allele frequency attached by ClinVar (database versions not stated): gnomAD exomes 0.49092; TOPMed 0.51117; 1000 Genomes Project 30x 0.56129; 1000 Genomes Project 0.56662.

Submission:

GeneDx
Classification: Benign. Last evaluated: 2018-06-14. Review status: criteria provided, single submitter. Criteria: GeneDx Variant Classification (06012015). Collection method: clinical testing. Allele origin: germline. Affected: yes.
Comment: This variant is considered likely benign or benign based on one or more of the following criteria: it is a conservative change, it occurs at a poorly conserved position in the protein, it is predicted to be benign by multiple in silico algorithms, and/or has population frequency not consistent with disease.